The following is an entry in ClinVar:

ClinVar aggregate classification (germline): Uncertain significance. Review status: criteria provided, multiple submitters, no conflicts (2 of 4 stars). 3 submissions from 3 submitters: Uncertain significance (3). Last evaluated 2025-09-12.

Conditions:
Catecholaminergic polymorphic ventricular tachycardia (CVPT). Also called: Catecholamine-induced polymorphic ventricular tachycardia. Identifiers: Orphanet 3286, MedGen C5574922, MONDO:0017990.
Cardiomyopathy (CMYO). Also called: Cardiomyopathies. Identifiers: Orphanet 167848, MedGen C0878544, MONDO:0004994, HP:0001638. Inheritance: Various modes of inheritance.
Catecholaminergic polymorphic ventricular tachycardia 1. Also called: VENTRICULAR TACHYCARDIA, STRESS-INDUCED POLYMORPHIC 1; VENTRICULAR TACHYCARDIA, CATECHOLAMINERGIC POLYMORPHIC, 1, WITH OR WITHOUT ATRIAL DYSFUNCTION AND/OR DILATED CARDIOMYOPATHY; RYR2-Related Catecholaminergic Polymorphic Ventricular Tachycardia. Identifiers: Orphanet 3286, MedGen C1631597, MONDO:0011484, OMIM 604772.

Allele frequency attached by ClinVar (database versions not stated): gnomAD exomes below 0.00001.

Submissions (3):

Labcorp Genetics (formerly Invitae), Labcorp
Classification: Uncertain significance for Catecholaminergic polymorphic ventricular tachycardia 1. Last evaluated: 2025-09-12. Review status: criteria provided, single submitter. Criteria: Invitae Variant Classification Sherloc (09022015). Collection method: clinical testing. Allele origin: germline.
Comment: This sequence change replaces serine, which is neutral and polar, with proline, which is neutral and non-polar, at codon 1629 of the RYR2 protein (p.Ser1629Pro). This variant is present in population databases (no rsID available, gnomAD 0.0009%). This variant has not been reported in the literature in individuals affected with RYR2-related conditions. ClinVar contains an entry for this variant (Variation ID: 1370839). Invitae Evidence Modeling of protein sequence and biophysical properties (such as structural, functional, and spatial information, amino acid conservation, physicochemical variation, residue mobility, and thermodynamic stability) indicates that this missense variant is not expected to disrupt RYR2 protein function with a negative predictive value of 95%. In summary, the available evidence is currently insufficient to determine the role of this variant in disease. Therefore, it has been classified as a Variant of Uncertain Significance.

All of Us Research Program, National Institutes of Health
Classification: Uncertain significance for Catecholaminergic polymorphic ventricular tachycardia. Last evaluated: 2024-07-29. Review status: criteria provided, single submitter. Criteria: ACMG Guidelines, 2015. Collection method: clinical testing. Allele origin: germline. Inheritance: Autosomal dominant inheritance. Observed: 1 variant allele, 1 heterozygote.
Comment: This missense variant replaces serine with proline at codon 1629 of the RYR2 protein. Computational prediction is inconclusive regarding the impact of this variant on protein structure and function (internally defined REVEL score threshold 0.5 < inconclusive < 0.7, PMID: 27666373). To our knowledge, functional studies have not been reported for this variant. This variant has not been reported in individuals affected with cardiovascular disorders in the literature. This variant has been identified in 1/247304 chromosomes in the general population by the Genome Aggregation Database (gnomAD). The available evidence is insufficient to determine the role of this variant in disease conclusively. Therefore, this variant is classified as a Variant of Uncertain Significance.

This study involves interpretation of variants in research participants for the purpose of population health screening. Participant phenotype was not available at the time of variant classification. Additional details can be found in publication PMID: 35346344, PMCID: PMC8962531

Color Diagnostics, LLC DBA Color Health
Classification: Uncertain significance for Cardiomyopathy. Last evaluated: 2024-03-07. Review status: criteria provided, single submitter. Criteria: ACMG Guidelines, 2015. Collection method: clinical testing. Allele origin: germline.
Comment: This missense variant replaces serine with proline at codon 1629 of the RYR2 protein. Computational prediction is inconclusive regarding the impact of this variant on protein structure and function (internally defined REVEL score threshold 0.5 < inconclusive < 0.7, PMID: 27666373). To our knowledge, functional studies have not been reported for this variant. This variant has not been reported in individuals affected with cardiovascular disorders in the literature. This variant has been identified in 1/247304 chromosomes in the general population by the Genome Aggregation Database (gnomAD). The available evidence is insufficient to determine the role of this variant in disease conclusively. Therefore, this variant is classified as a Variant of Uncertain Significance.

NM_001035.3(RYR2):c.4885T>C (p.Ser1629Pro)

Gene: RYR2 (ryanodine receptor 2; plus strand). Cytogenetic location: 1q43.
Variant type: single nucleotide variant.
Coding change: c.4885T>C on transcript NM_001035.3 (MANE Select); coding-DNA position 4885, T replaced by C.
Protein change: p.Ser1629Pro; replaces serine 1629 with proline.
Molecular consequence: missense variant.
Genome position (GRCh38, 1-based): chr1:237,610,963, T>C. VCF-style: chr1-237610963-T-C. GRCh37 (hg19) VCF-style: chr1-237774263-T-C.
Other names: short protein forms S1629P.
Identifiers: ClinVar variation 1370839 (VCV001370839.11), dbSNP rs1435195421, ClinGen allele CA345402842.